The following is an entry in ClinVar:

ClinVar aggregate classification (germline): Uncertain significance (1 of 4 stars; one submission).

gnomAD v4.1: 9 of 1,613,240 alleles (0.00056%); highest among the groups gnomAD compares: Admixed American, 0.0017%; no homozygotes.

Submission:

CeGaT Center for Human Genetics Tuebingen
Classification: Uncertain significance. Last evaluated: 2025-05-01. Review status: criteria provided, single submitter. Criteria: CeGaT Center For Human Genetics Tuebingen Variant Classification Criteria Version 2. Collection method: clinical testing. Allele origin: germline. Affected: yes. Observed: 1 variant allele.
Comment: PLEKHG2: PM2

NM_022835.3(PLEKHG2):c.1222C>A (p.Arg408Ser)

Gene: PLEKHG2 (pleckstrin homology and RhoGEF domain containing G2; plus strand). Cytogenetic location: 19q13.2.
Variant type: single nucleotide variant.
Coding change: c.1222C>A on transcript NM_022835.3 (MANE Select); coding-DNA position 1222, C replaced by A.
Protein change: p.Arg408Ser; replaces arginine 408 with serine.
Molecular consequence: missense variant.
Genome position (GRCh38, 1-based): chr19:39,418,962, C>A. VCF-style: chr19-39418962-C-A. GRCh37 (hg19) VCF-style: chr19-39909602-C-A.
Other names: c.1045C>A, p.Arg349Ser (NM_001351693.2); c.1222C>A, p.Arg408Ser (NM_001351694.2); short protein forms R349S, R408S.
Identifiers: ClinVar variation 3905737 (VCV003905737.10).